The following is an entry in ClinVar:

ClinVar aggregate classification (germline): Conflicting classifications of pathogenicity. Review status: criteria provided, conflicting classifications (1 of 4 stars). 3 submissions from 3 submitters: Uncertain significance (1); Likely benign (1). 1 of the submissions does not count toward it. Last evaluated 2026-01-28.

Conditions:
IFT140-related disorder. Also called: IFT140-related condition.
Saldino-Mainzer syndrome (SRTD9). Also called: CONORENAL SYNDROME; SHORT-RIB THORACIC DYSPLASIA 9 WITHOUT POLYDACTYLY; Renal dysplasia, retinal pigmentary dystrophy, cerebellar ataxia and skeletal dysplasia; short-rib thoracic dysplasia 9 with or without polydactyly. Identifiers: Orphanet 140969, MedGen C1849437, MONDO:0009964, OMIM 266920.

Allele frequency attached by ClinVar (database versions not stated): gnomAD exomes 0.00008 and 0.00017; ExAC 0.00009; gnomAD 0.00013 and 0.00014; TOPMed 0.00013; 1000 Genomes Project 30x 0.00016; 1000 Genomes Project 0.00020; ESP Exome Variant Server 0.00023.
gnomAD v4.1: 256 of 1,613,992 alleles (0.016%); highest among the groups gnomAD compares: Non-Finnish European, 0.021%; no homozygotes.

Submissions (3):

Labcorp Genetics (formerly Invitae), Labcorp
Classification: Likely benign for Saldino-Mainzer syndrome. Last evaluated: 2026-01-28. Review status: criteria provided, single submitter. Criteria: Invitae Variant Classification Sherloc (09022015). Collection method: clinical testing. Allele origin: germline.

Blueprint Genetics
Classification: Uncertain significance. Last evaluated: 2024-10-21. Review status: criteria provided, single submitter. Criteria: ACMG Guidelines, 2015. Collection method: clinical testing. Allele origin: germline.

PreventionGenetics, part of Exact Sciences
Classification: Uncertain significance for IFT140-related condition. Last evaluated: 2024-08-26. Review status: no assertion criteria provided. Collection method: clinical testing. Allele origin: germline. Not counted in ClinVar's aggregate classification.
Comment: The IFT140 c.194C>T variant is predicted to result in the amino acid substitution p.Ala65Val. To our knowledge, this variant has not been reported in the literature. This variant is reported in 0.015% of alleles in individuals of European (Non-Finnish) descent in gnomAD. At this time, the clinical significance of this variant is uncertain due to the absence of conclusive functional and genetic evidence.

NM_014714.4(IFT140):c.194C>T (p.Ala65Val)

Genes: IFT140 (intraflagellar transport 140; minus strand), LOC105371046 (uncharacterized LOC105371046; plus strand). Cytogenetic location: 16p13.3.
Variant type: single nucleotide variant.
Coding change: c.194C>T on transcript NM_014714.4 (MANE Select); coding-DNA position 194, C replaced by T.
Protein change: p.Ala65Val; replaces alanine 65 with valine.
Molecular consequence: missense variant.
Genome position (GRCh38, 1-based): chr16:1,602,545, G>A on the plus strand (C>T on the coding strand, the complement: IFT140 is on the minus strand). VCF-style: chr16-1602545-G-A. GRCh37 (hg19) VCF-style: chr16-1652546-G-A.
Other names: short protein forms A65V.
Identifiers: ClinVar variation 837884 (VCV000837884.10), dbSNP rs142257947, ClinGen allele CA7814781.